The following is an entry in ClinVar:

ClinVar aggregate classification (germline): Uncertain significance (1 of 4 stars; one submission).

Conditions:
Glycosylphosphatidylinositol biosynthesis defect 18. Also called: DEVELOPMENTAL AND EPILEPTIC ENCEPHALOPATHY 95. Identifiers: MedGen C4748357, MONDO:0029140, OMIM 618143.

Allele frequency attached by ClinVar (database versions not stated): gnomAD 0.00001; gnomAD exomes 0.00001 and 0.00003; TOPMed 0.00001; ExAC 0.00003.
gnomAD v4.1: 21 of 1,611,326 alleles (0.0013%); highest among the groups gnomAD compares: Admixed American, 0.015%; no homozygotes.

Submission:

Baylor Genetics
Classification: Uncertain significance for Glycosylphosphatidylinositol biosynthesis defect 18. Last evaluated: 2019-10-12. Review status: criteria provided, single submitter. Criteria: ACMG Guidelines, 2015. Collection method: clinical testing. Allele origin: unknown. Affected: yes.
Comment: This variant was determined to be of uncertain significance according to ACMG Guidelines, 2015 [PMID:25741868].

NM_033198.4(PIGS):c.1274G>A (p.Arg425Gln)

Gene: PIGS (phosphatidylinositol glycan anchor biosynthesis class S; minus strand). Cytogenetic location: 17q11.2.
Variant type: single nucleotide variant.
Coding change: c.1274G>A on transcript NM_033198.4 (MANE Select); coding-DNA position 1274, G replaced by A.
Protein change: p.Arg425Gln; replaces arginine 425 with glutamine.
Molecular consequence: missense variant.
Genome position (GRCh38, 1-based): chr17:28,554,969, C>T on the plus strand (G>A on the coding strand, the complement: PIGS is on the minus strand). VCF-style: chr17-28554969-C-T. GRCh37 (hg19) VCF-style: chr17-26881987-C-T.
Other names: short protein forms R425Q.
Identifiers: ClinVar variation 1028510 (VCV001028510.1), dbSNP rs760640715, ClinGen allele CA8460031.